The following is an entry in ClinVar:

NM_001127511.3(APC):c.125G>A (p.Gly42Asp)

Gene: APC (APC regulator of Wnt signaling pathway; plus strand). Cytogenetic location: 5q22.2.
Variant type: single nucleotide variant.
Coding change: c.125G>A on transcript NM_001127511.3; coding-DNA position 125, G replaced by A.
Protein change: p.Gly42Asp; replaces glycine 42 with aspartic acid.
Molecular consequence: missense variant. On other transcripts: 5 prime UTR variant (8), non-coding transcript variant (1), intron variant (5).
Genome position (GRCh38, 1-based): chr5:112,707,842, G>A. VCF-style: chr5-112707842-G-A. GRCh37 (hg19) VCF-style: chr5-112043539-G-A.
Other names: c.-59G>A (NM_001354895.2, NM_001407447.1, NM_001407452.1 and 3 more transcripts); c.125G>A, p.Gly42Asp (NM_001354897.2, NM_001354902.2, NM_001407446.1); c.-1094G>A (NM_001407470.1, NM_001407472.1); c.-19+193G>A (NM_001407448.1, NM_001407450.1, NM_001407457.1 and 1 more transcripts); c.-43+193G>A (NM_001407453.1); short protein forms G42D.
Identifiers: ClinVar variation 371861 (VCV000371861.20), dbSNP rs1057517570, ClinGen allele CA16042081.
Genomic context (GRCh38, chr5:112,707,842, plus strand): 5'-TCGGGTCCTGGAGCACCGGCGGCAGCAGGAGCTGCGTCCGGCAGGAGACGAAGAGCCCGG[G>A]CGGCGCTCGTACTTCTGGCCACTGGGCGAGCGTCTGGCAGGTGAGTGAGGCTGCAGGCAT-3'

ClinVar aggregate classification (germline): Benign. Review status: criteria provided, multiple submitters, no conflicts (2 of 4 stars). 4 submissions from 4 submitters: Benign (2). 2 of the submissions do not count toward it. Last evaluated 2026-02-04.

Conditions:
Familial adenomatous polyposis 1 (FAP1). Also called: POLYPOSIS, ADENOMATOUS INTESTINAL; FAMILIAL ADENOMATOUS POLYPOSIS 1, ATTENUATED. Identifiers: MedGen C2713442, MONDO:0021056, OMIM 175100. Disease mechanism: loss of function.
APC-related disorder. Also called: APC-related condition.

Allele frequency attached by ClinVar (database versions not stated): gnomAD exomes 0.00004 and 0.00030; gnomAD 0.00006; TOPMed 0.00024.
gnomAD v4.1: 63 of 1,370,280 alleles (0.0046%); highest among the groups gnomAD compares: Admixed American, 0.13%; no homozygotes.

Submissions (4):

Labcorp Genetics (formerly Invitae), Labcorp
Classification: Benign for Familial adenomatous polyposis 1. Last evaluated: 2026-02-04. Review status: criteria provided, single submitter. Criteria: Invitae Variant Classification Sherloc (09022015). Collection method: clinical testing. Allele origin: germline.

Center for Genomic Medicine, Rigshospitalet, Copenhagen University Hospital
Classification: Benign. Last evaluated: 2025-03-04. Review status: criteria provided, single submitter. Criteria: ACMG Guidelines, 2015. Collection method: clinical testing. Allele origin: germline.

PreventionGenetics, part of Exact Sciences
Classification: Likely benign for APC-related condition. Last evaluated: 2020-10-13. Review status: no assertion criteria provided. Collection method: clinical testing. Allele origin: germline. Not counted in ClinVar's aggregate classification.
Comment: This variant is classified as likely benign based on ACMG/AMP sequence variant interpretation guidelines (Richards et al. 2015 PMID: 25741868, with internal and published modifications).

Counsyl
Classification: Uncertain significance for Familial adenomatous polyposis 1. Last evaluated: 2016-05-24. Review status: no assertion criteria provided. Collection method: clinical testing. Allele origin: unknown. Not counted in ClinVar's aggregate classification.